The following is an entry in ClinVar:

ClinVar aggregate classification (germline): Uncertain significance. Review status: criteria provided, multiple submitters, no conflicts (2 of 4 stars). 2 submissions from 2 submitters: Uncertain significance (2). Last evaluated 2025-08-11.

Conditions:
Hereditary cancer-predisposing syndrome. Also called: Neoplastic Syndromes, Hereditary; Tumor predisposition; Hereditary Cancer Syndrome; Hereditary neoplastic syndrome. Identifiers: Orphanet 140162, MedGen C0027672, MeSH D009386, MONDO:0015356.

Allele frequency attached by ClinVar (database versions not stated): gnomAD exomes below 0.00001; TOPMed below 0.00001.
gnomAD v4.1: 1 of 1,613,916 alleles (0.000062%); highest among the groups gnomAD compares: Non-Finnish European, 0.000085%; no homozygotes.

Submissions (2):

Labcorp Genetics (formerly Invitae), Labcorp
Classification: Uncertain significance for Hereditary cancer-predisposing syndrome. Last evaluated: 2025-08-11. Review status: criteria provided, single submitter. Criteria: Invitae Variant Classification Sherloc (09022015). Collection method: clinical testing. Allele origin: germline.
Comment: This sequence change replaces aspartic acid, which is acidic and polar, with asparagine, which is neutral and polar, at codon 381 of the RAD50 protein (p.Asp381Asn). This variant is not present in population databases (gnomAD no frequency). This variant has not been reported in the literature in individuals affected with RAD50-related conditions. ClinVar contains an entry for this variant (Variation ID: 231559). Invitae Evidence Modeling of protein sequence and biophysical properties (such as structural, functional, and spatial information, amino acid conservation, physicochemical variation, residue mobility, and thermodynamic stability) indicates that this missense variant is not expected to disrupt RAD50 protein function with a negative predictive value of 80%. In summary, the available evidence is currently insufficient to determine the role of this variant in disease. Therefore, it has been classified as a Variant of Uncertain Significance.

Ambry Genetics
Classification: Uncertain significance for Hereditary cancer-predisposing syndrome. Last evaluated: 2024-07-13. Review status: criteria provided, single submitter. Criteria: Ambry Variant Classification Scheme 2023. Collection method: clinical testing. Allele origin: germline.
Comment: The p.D381N variant (also known as c.1141G>A), located in coding exon 8 of the RAD50 gene, results from a G to A substitution at nucleotide position 1141. The aspartic acid at codon 381 is replaced by asparagine, an amino acid with highly similar properties. This amino acid position is highly conserved in available vertebrate species. In addition, this alteration is predicted to be tolerated by in silico analysis. Since supporting evidence is limited at this time, the clinical significance of this alteration remains unclear.

NM_005732.4(RAD50):c.1141G>A (p.Asp381Asn)

Gene: RAD50 (RAD50 double strand break repair protein; plus strand). Cytogenetic location: 5q31.1.
Variant type: single nucleotide variant.
Coding change: c.1141G>A on transcript NM_005732.4 (MANE Select); coding-DNA position 1141, G replaced by A.
Protein change: p.Asp381Asn; replaces aspartic acid 381 with asparagine.
Molecular consequence: missense variant.
Genome position (GRCh38, 1-based): chr5:132,588,776, G>A. VCF-style: chr5-132588776-G-A. GRCh37 (hg19) VCF-style: chr5-131924468-G-A.
Other names: short protein forms D381N.
Identifiers: ClinVar variation 231559 (VCV000231559.14), dbSNP rs876659225, ClinGen allele CA10578514.